The following is an entry in ClinVar:

NM_004104.5(FASN):c.7320T>A (p.His2440Gln)

Genes: FASN (fatty acid synthase; minus strand), LOC129390948 (MPRA-validated peak3028 silencer; plus strand). Cytogenetic location: 17q25.3.
Variant type: single nucleotide variant.
Coding change: c.7320T>A on transcript NM_004104.5 (MANE Select); coding-DNA position 7320, T replaced by A.
Protein change: p.His2440Gln; replaces histidine 2440 with glutamine.
Molecular consequence: missense variant.
Genome position (GRCh38, 1-based): chr17:82,079,435, A>T on the plus strand (T>A on the coding strand, the complement: FASN is on the minus strand). VCF-style: chr17-82079435-A-T. GRCh37 (hg19) VCF-style: chr17-80037311-A-T.
Other names: short protein forms H2440Q.
Identifiers: ClinVar variation 4747735 (VCV004747735.1).
Genomic context (GRCh38, chr17:82,079,435, plus strand): 5'-CGCGCCCAGGTCCTCGCCGTAGGCGCCACCCGTCTTGGCGCGCAGTAGCATCACGTTGCC[A>T]TGGTACTTGGCCTTGGGTGTGTACTGCTCAGCGGCACGCAGCTTGTAGTAGAAGGACCGG-3'
Protein context (NP_004095.4, residues 2430-2450): AEQYTPKAKY[His2440Gln]GNVMLLRAKT

ClinVar aggregate classification (germline): Uncertain significance (1 of 4 stars; one submission).

Conditions:
Epileptic encephalopathy. Identifiers: MedGen C0543888, HP:0200134.

gnomAD v4.1: 4 of 1,612,912 alleles (0.00025%); highest among the groups gnomAD compares: African/African-American, 0.004%; no homozygotes.

Submission:

Labcorp Genetics (formerly Invitae), Labcorp
Classification: Uncertain significance for Epileptic encephalopathy. Last evaluated: 2025-04-18. Review status: criteria provided, single submitter. Criteria: Invitae Variant Classification Sherloc (09022015). Collection method: clinical testing. Allele origin: germline.
Comment: This sequence change replaces histidine, which is basic and polar, with glutamine, which is neutral and polar, at codon 2440 of the FASN protein (p.His2440Gln). This variant is present in population databases (no rsID available, gnomAD 0.007%). This variant has not been reported in the literature in individuals affected with FASN-related conditions. An algorithm developed to predict the effect of missense changes on protein structure and function (PolyPhen-2) suggests that this variant is likely to be tolerated. In summary, the available evidence is currently insufficient to determine the role of this variant in disease. Therefore, it has been classified as a Variant of Uncertain Significance.